The following is an entry in ClinVar:

NM_004304.5(ALK):c.3659C>A (p.Ser1220Tyr)

Gene: ALK (ALK receptor tyrosine kinase; minus strand). Cytogenetic location: 2p23.2.
Variant type: single nucleotide variant.
Coding change: c.3659C>A on transcript NM_004304.5 (MANE Select); coding-DNA position 3659, C replaced by A.
Protein change: p.Ser1220Tyr; replaces serine 1220 with tyrosine.
Molecular consequence: missense variant.
Genome position (GRCh38, 1-based): chr2:29,214,068, G>T on the plus strand (C>A on the coding strand, the complement: ALK is on the minus strand). VCF-style: chr2-29214068-G-T. GRCh37 (hg19) VCF-style: chr2-29436934-G-T.
Other names: c.455C>A, p.Ser152Tyr (NM_001353765.2); short protein forms S1220Y, S152Y.
Identifiers: ClinVar variation 3371607 (VCV003371607.1).

ClinVar aggregate classification (germline): Uncertain significance (1 of 4 stars; one submission).

gnomAD v4.1: 1 of 1,613,934 alleles (0.000062%); highest among the groups gnomAD compares: Non-Finnish European, 0.000085%; no homozygotes.

Submission:

GeneDx
Classification: Uncertain significance. Last evaluated: 2024-03-28. Review status: criteria provided, single submitter. Criteria: GeneDx Variant Classification Process June 2021. Collection method: clinical testing. Allele origin: germline. Affected: yes.
Comment: Not observed at significant frequency in large population cohorts (gnomAD); In silico analysis supports that this missense variant has a deleterious effect on protein structure/function; Reported in the literature in an individual with lung cancer (PMID: 24495999); This variant is associated with the following publications: (PMID: 24495999)